The following is an entry in ClinVar:

ClinVar aggregate classification (germline): Benign/Likely benign. Review status: criteria provided, multiple submitters, no conflicts (2 of 4 stars). 15 submissions from 15 submitters: Benign (4); Likely benign (9). 2 of the submissions do not count toward it. Last evaluated 2026-02-03.

Conditions:
Mismatch repair cancer syndrome 3. Identifiers: MedGen C5436807, MONDO:0030841, OMIM 619097.
Hereditary nonpolyposis colorectal neoplasms. Identifiers: MedGen C0009405, MeSH D003123.
Hereditary cancer-predisposing syndrome. Also called: Tumor predisposition; Neoplastic Syndromes, Hereditary; Hereditary neoplastic syndrome; Hereditary Cancer Syndrome. Identifiers: Orphanet 140162, MedGen C0027672, MeSH D009386, MONDO:0015356.
Lynch syndrome. Identifiers: Orphanet 144, MedGen C4552100, MONDO:0005835. Disease mechanism: loss of function.
Lynch syndrome 5 (LYNCH5). Also called: Colorectal cancer, hereditary nonpolyposis, type 5; Hereditary non-polyposis colorectal cancer, type 5. Identifiers: Orphanet 144, MedGen C1833477, MONDO:0013710, OMIM 614350. Disease mechanism: loss of function.

Allele frequency attached by ClinVar (database versions not stated): gnomAD exomes 0.00007; ExAC 0.00008; ESP Exome Variant Server 0.00015; gnomAD 0.00035 and 0.00042; TOPMed 0.00053.
gnomAD v4.1: 91 of 1,612,788 alleles (0.0056%); highest among the groups gnomAD compares: African/African-American, 0.1%; no homozygotes.

Submissions (15):

Labcorp Genetics (formerly Invitae), Labcorp
Classification: Benign for Hereditary nonpolyposis colorectal neoplasms. Last evaluated: 2026-02-03. Review status: criteria provided, single submitter. Criteria: Invitae Variant Classification Sherloc (09022015). Collection method: clinical testing. Allele origin: germline.

Department of Pathology and Laboratory Medicine, Sinai Health System
Classification: Likely benign for Mismatch repair cancer syndrome 3. Last evaluated: 2024-03-21. Review status: criteria provided, single submitter. Criteria: ACMG Guidelines, 2015. Collection method: clinical testing. Allele origin: germline. Affected: yes.

All of Us Research Program, National Institutes of Health
Classification: Likely benign for Lynch syndrome. Last evaluated: 2024-02-05. Review status: criteria provided, single submitter. Criteria: ACMG Guidelines, 2015. Collection method: clinical testing. Allele origin: germline. Inheritance: Autosomal dominant inheritance. Observed: 22 variant alleles, 22 heterozygotes.
Comment: This study involves interpretation of variants in research participants for the purpose of population health screening. Participant phenotype was not available at the time of variant classification. Additional details can be found in publication PMID: 35346344, PMCID: PMC8962531

Myriad Genetics, Inc.
Classification: Benign for Lynch syndrome 5. Last evaluated: 2023-03-28. Review status: criteria provided, single submitter. Criteria: Myriad Autosomal Dominant, Autosomal Recessive and X-Linked Classification Criteria (2023). Collection method: clinical testing. Allele origin: unknown.
Comment: This variant is considered benign. This variant is a silent/synonymous amino acid change and it is not expected to impact splicing.

Blueprint Genetics
Classification: Likely benign. Last evaluated: 2022-08-31. Review status: criteria provided, single submitter. Criteria: ACMG Guidelines, 2015. Collection method: clinical testing. Allele origin: germline.

Genetic Services Laboratory, University of Chicago
Classification: Likely benign. Last evaluated: 2022-01-03. Review status: criteria provided, single submitter. Criteria: ACMG Guidelines, 2015. Collection method: clinical testing. Allele origin: germline. Affected: no.

Mayo Clinic Laboratories, Mayo Clinic
Classification: Likely benign. Last evaluated: 2021-07-19. Review status: criteria provided, single submitter. Criteria: ACMG Guidelines, 2015. Collection method: clinical testing. Allele origin: germline. Observed: 1 variant allele.

Sema4
Classification: Likely benign for Hereditary cancer-predisposing syndrome. Last evaluated: 2021-04-05. Review status: criteria provided, single submitter. Criteria: Sema4 Curation Guidelines. Collection method: curation. Allele origin: germline.

Women's Health and Genetics/Laboratory Corporation of America, LabCorp
Classification: Likely benign. Last evaluated: 2020-07-16. Review status: criteria provided, single submitter. Criteria: LabCorp Variant Classification Summary - May 2015. Collection method: clinical testing. Allele origin: germline.

Quest Diagnostics Nichols Institute San Juan Capistrano
Classification: Benign. Last evaluated: 2019-04-02. Review status: criteria provided, single submitter. Criteria: Quest Diagnostics criteria. Collection method: clinical testing. Allele origin: germline.

Color Diagnostics, LLC DBA Color Health
Classification: Likely benign for Hereditary cancer-predisposing syndrome. Last evaluated: 2015-09-22. Review status: criteria provided, single submitter. Criteria: ACMG Guidelines, 2015. Collection method: clinical testing. Allele origin: germline.

GeneDx
Classification: Benign. Last evaluated: 2014-08-29. Review status: criteria provided, single submitter. Criteria: GeneDx Variant Classification (06012015). Collection method: clinical testing. Allele origin: germline. Affected: yes.
Comment: This variant is considered likely benign or benign based on one or more of the following criteria: it is a conservative change, it occurs at a poorly conserved position in the protein, it is predicted to be benign by multiple in silico algorithms, and/or has population frequency not consistent with disease.

Ambry Genetics
Classification: Likely benign for Hereditary cancer-predisposing syndrome. Last evaluated: 2014-07-31. Review status: criteria provided, single submitter. Criteria: Ambry Variant Classification Scheme 2023. Collection method: clinical testing. Allele origin: germline.

True Health Diagnostics
Classification: Likely benign for Hereditary cancer-predisposing syndrome. Last evaluated: 2017-10-10. Review status: no assertion criteria provided. Collection method: clinical testing. Allele origin: germline. Not counted in ClinVar's aggregate classification.

Counsyl
Classification: Likely benign for Lynch syndrome 5. Last evaluated: 2016-05-20. Review status: no assertion criteria provided. Collection method: clinical testing. Allele origin: unknown. Not counted in ClinVar's aggregate classification.

NM_000179.3(MSH6):c.3960A>G (p.Ala1320=)

Gene: MSH6 (mutS homolog 6; plus strand). Cytogenetic location: 2p16.3.
Variant type: single nucleotide variant.
Coding change: c.3960A>G on transcript NM_000179.3 (MANE Select); coding-DNA position 3960, A replaced by G.
Protein change: p.Ala1320=; no amino-acid change (alanine 1320 retained).
Molecular consequence: synonymous variant.
Genome position (GRCh38, 1-based): chr2:47,806,610, A>G. VCF-style: chr2-47806610-A-G. GRCh37 (hg19) VCF-style: chr2-48033749-A-G.
Other names: p.A1320A:GCA>GCG; p.Ala1320=; c.3570A>G, p.Ala1190= (NM_001281492.2); c.3054A>G, p.Ala1018= (NM_001281493.2, NM_001281494.2).
Identifiers: ClinVar variation 182671 (VCV000182671.33), dbSNP rs373425206, ClinGen allele CA014862.